The following is an entry in ClinVar:

NM_007294.4(BRCA1):c.5406+16C>G

Gene: BRCA1 (BRCA1 DNA repair associated; minus strand). Cytogenetic location: 17q21.31.
Variant type: single nucleotide variant.
Coding change: c.5406+16C>G on transcript NM_007294.4 (MANE Select); 16 bases into the intron after coding-DNA position 5406, C replaced by G.
Molecular consequence: intron variant.
Genome position (GRCh38, 1-based): chr17:43,049,105, G>C on the plus strand (C>G on the coding strand, the complement: BRCA1 is on the minus strand). VCF-style: chr17-43049105-G-C. GRCh37 (hg19) VCF-style: chr17-41201122-G-C.
Other names: c.1953+16C>G (NM_001408458.1, NM_001408461.1, NM_001408464.1 and 7 more transcripts); c.4515+16C>G (NM_001407967.1); c.5025+16C>G (NM_001407959.1); c.5139+16C>G (NM_001407931.1, NM_001407932.1, NM_001407928.1 and 4 more transcripts); c.5262+16C>G (NM_001407747.1, NM_001407745.1, NM_001407737.1 and 18 more transcripts); c.5022+16C>G (NM_001407962.1, NM_001407960.1); c.1593+16C>G (NM_001408512.1); c.1716+16C>G (NM_001408510.1); and 84 more.
Identifiers: ClinVar variation 865444 (VCV000865444.3), dbSNP rs778962676, ClinGen allele CA916080817.
Genomic context (GRCh38, chr17:43,049,105, plus strand): 5'-GGACTGACAGGTGCCAGTCTTGCTCACAGGAGAGAATATTGTGTCCTCCCTCTCTGACAG[G>C]GCACCCAATACTTACTGTGCCAAGGGTGAATGATGAAAGCTCCTTCACCACAGAAGCACC-3'

Conditions:
Breast-ovarian cancer, familial, susceptibility to, 1 (BROVCA1). Also called: BRCA1 Hereditary Breast and Ovarian Cancer; OVARIAN CANCER, SUSCEPTIBILITY TO. Identifiers: Orphanet 145, MedGen C2676676, MONDO:0011450, OMIM 604370. Disease mechanism: loss of function.

Submission:

Brotman Baty Institute, University of Washington
No classification provided (evidence only). Condition: Breast-ovarian cancer, familial 1. Review status: no classification provided. Collection method: in vitro. Allele origin: not applicable. Functional consequence: functionally_normal.
ClinVar note: "not provided" was previously submitted as the classification for the variant. However, the classification appeared to be based only on an observation of functional data so it was converted to no classification on 2025-07-30.